The following is an entry in ClinVar:

ClinVar aggregate classification (germline): Uncertain significance. Review status: criteria provided, multiple submitters, no conflicts (2 of 4 stars). 2 submissions from 2 submitters: Uncertain significance (2). Last evaluated 2021-12-24.

Conditions:
Microcephaly-intellectual disability-sensorineural hearing loss-epilepsy-abnormal muscle tone syndrome (NEDHSB). Also called: NEURODEVELOPMENTAL DISORDER WITH HEARING LOSS, SEIZURES, AND BRAIN ABNORMALITIES. Identifiers: Orphanet 457351, MedGen C4225276, MONDO:0014698, OMIM 616577.

Allele frequency attached by ClinVar (database versions not stated): gnomAD exomes below 0.00001; ExAC 0.00001; gnomAD 0.00002; TOPMed 0.00002.
gnomAD v4.1: 4 of 1,604,884 alleles (0.00025%); highest among the groups gnomAD compares: African/African-American, 0.0054%; no homozygotes.

Submissions (2):

Labcorp Genetics (formerly Invitae), Labcorp
Classification: Uncertain significance for Microcephaly-intellectual disability-sensorineural hearing loss-epilepsy-abnormal muscle tone syndrome. Last evaluated: 2021-12-24. Review status: criteria provided, single submitter. Criteria: Invitae Variant Classification Sherloc (09022015). Collection method: clinical testing. Allele origin: germline.
Comment: This sequence change replaces lysine, which is basic and polar, with threonine, which is neutral and polar, at codon 426 of the SPATA5 protein (p.Lys426Thr). This variant is present in population databases (rs780078610, gnomAD 0.008%). This variant has not been reported in the literature in individuals affected with SPATA5-related conditions. ClinVar contains an entry for this variant (Variation ID: 1042122). Algorithms developed to predict the effect of missense changes on protein structure and function (SIFT, PolyPhen-2, Align-GVGD) all suggest that this variant is likely to be disruptive. In summary, the available evidence is currently insufficient to determine the role of this variant in disease. Therefore, it has been classified as a Variant of Uncertain Significance.

New York Genome Center
Classification: Uncertain significance for Microcephaly-intellectual disability-sensorineural hearing loss-epilepsy-abnormal muscle tone syndrome. Last evaluated: 2021-02-05. Review status: criteria provided, single submitter. Criteria: NYGC Assertion Criteria 2020. Collection method: clinical testing. Allele origin: inherited. Observed: 1 heterozygote. Study: CSER-NYCKidSeq.

NM_145207.3(AFG2A):c.1277A>C (p.Lys426Thr)

Gene: AFG2A (AFG2 AAA ATPase homolog A; plus strand). Cytogenetic location: 4q28.1.
Variant type: single nucleotide variant.
Coding change: c.1277A>C on transcript NM_145207.3 (MANE Select); coding-DNA position 1277, A replaced by C.
Protein change: p.Lys426Thr; replaces lysine 426 with threonine.
Molecular consequence: missense variant.
Genome position (GRCh38, 1-based): chr4:122,935,843, A>C. VCF-style: chr4-122935843-A-C. GRCh37 (hg19) VCF-style: chr4-123856998-A-C.
Other names: c.1274A>C, p.Lys425Thr (NM_001317799.2, NM_001345856.2); short protein forms K425T, K426T.
Identifiers: ClinVar variation 1042122 (VCV001042122.3), dbSNP rs780078610, ClinGen allele CA3070400.
Genomic context (GRCh38, chr4:122,935,843, plus strand): 5'-CTGTTGCTAATGAAGTTGGAGCCTATGTTTCTGTAATTAATGGTCCTGAAATTATAAGCA[A>C]GTAAGTACATGATTTAATAGAGTAAACTTACTATTAAATATATTTCTAAAATGTGGTTTT-3'
Protein context (NP_660208.2, residues 416-436): SVINGPEIIS[Lys426Thr]FYGETEAKLR